The following is an entry in ClinVar:

ClinVar aggregate classification (germline): Benign. Review status: criteria provided, multiple submitters, no conflicts (2 of 4 stars). 7 submissions from 7 submitters: Benign (7). Last evaluated 2026-02-04.

Conditions:
Fetal akinesia deformation sequence 1 (FADS1). Also called: Pena-Shokeir syndrome type I; Fetal akinesia sequence. Identifiers: Orphanet 994, MedGen C1276035, MONDO:0100101, OMIM 208150, HP:0001989.
Congenital myasthenic syndrome 9. Also called: Myasthenic syndrome, congenital, 9, associated with acetylcholine receptor deficiency. Identifiers: Orphanet 590, MedGen C4225368, MONDO:0014587, OMIM 616325.

Allele frequency attached by ClinVar (database versions not stated): TOPMed 0.11674; 1000 Genomes Project 0.12200; ESP Exome Variant Server 0.12958; gnomAD 0.13243 and 0.13511; 1000 Genomes Project 30x 0.12102.
gnomAD v4.1: 278,815 of 1,610,998 alleles (17%); highest among the groups gnomAD compares: East Asian, 19%; 25,666 homozygotes.

Submissions (7):

Labcorp Genetics (formerly Invitae), Labcorp
Classification: Benign for Congenital myasthenic syndrome 9; Fetal akinesia deformation sequence 1. Last evaluated: 2026-02-04. Review status: criteria provided, single submitter. Criteria: Invitae Variant Classification Sherloc (09022015). Collection method: clinical testing. Allele origin: germline.

Illumina Laboratory Services, Illumina
Classification: Benign for Congenital myasthenic syndrome 9. Last evaluated: 2018-01-13. Review status: criteria provided, single submitter. Criteria: ICSL Variant Classification Criteria 13 December 2019. Collection method: clinical testing. Allele origin: germline.
Comment: This variant was observed in the ICSL laboratory as part of a predisposition screen in an ostensibly healthy population. It had not been previously curated by ICSL or reported in the Human Gene Mutation Database (HGMD: prior to June 1st, 2018), and was therefore a candidate for classification through an automated scoring system. Utilizing variant allele frequency, disease prevalence and penetrance estimates, and inheritance mode, an automated score was calculated to assess if this variant is too frequent to cause the disease. Based on the score and internal cut-off values, a variant classified as benign is not then subjected to further curation. The score for this variant resulted in a classification of benign for this disease.

Mayo Clinic Laboratories, Mayo Clinic
Classification: Benign. Last evaluated: 2017-08-21. Review status: criteria provided, single submitter. Criteria: ACMG Guidelines, 2015. Collection method: clinical testing. Allele origin: germline. Observed: 118 variant alleles.

GeneDx
Classification: Benign. Last evaluated: 2016-02-19. Review status: criteria provided, single submitter. Criteria: GeneDx Variant Classification (06012015). Collection method: clinical testing. Allele origin: germline. Affected: yes.
Comment: This variant is considered likely benign or benign based on one or more of the following criteria: it is a conservative change, it occurs at a poorly conserved position in the protein, it is predicted to be benign by multiple in silico algorithms, and/or has population frequency not consistent with disease.

Genetic Services Laboratory, University of Chicago
Classification: Benign for AllHighlyPenetrant. Last evaluated: 2013-08-15. Review status: criteria provided, single submitter. Criteria: ACMG Guidelines, 2007. Collection method: clinical testing. Allele origin: germline. Inheritance: Autosomal recessive inheritance.

Breakthrough Genomics
Classification: Benign. Review status: criteria provided, single submitter. Criteria: ACMG Guidelines, 2015. Collection method: not provided. Allele origin: germline. Inheritance: Autosomal recessive inheritance. Affected: yes.

PreventionGenetics, part of Exact Sciences
Classification: Benign. Review status: criteria provided, single submitter. Criteria: ACMG Guidelines, 2015. Collection method: clinical testing. Allele origin: germline.

NM_005592.4(MUSK):c.537C>T (p.Asn179=)

Gene: MUSK (muscle associated receptor tyrosine kinase; plus strand). Cytogenetic location: 9q31.3.
Variant type: single nucleotide variant.
Coding change: c.537C>T on transcript NM_005592.4 (MANE Select); coding-DNA position 537, C replaced by T.
Protein change: p.Asn179=; no amino-acid change (asparagine 179 retained).
Molecular consequence: synonymous variant.
Genome position (GRCh38, 1-based): chr9:110,697,375, C>T. VCF-style: chr9-110697375-C-T. GRCh37 (hg19) VCF-style: chr9-113459655-C-T.
Other names: p.Asn179=; c.537C>T, p.Asn179= (NM_001166280.2, NM_001166281.2).
Identifiers: ClinVar variation 129637 (VCV000129637.20), dbSNP rs41279051, ClinGen allele CA153749.